The following is an entry in ClinVar:

NM_001029883.3(PCARE):c.2499G>A (p.Pro833=)

Gene: PCARE (photoreceptor cilium actin regulator; minus strand). Cytogenetic location: 2p23.2.
Variant type: single nucleotide variant.
Coding change: c.2499G>A on transcript NM_001029883.3 (MANE Select); coding-DNA position 2499, G replaced by A.
Protein change: p.Pro833=; no amino-acid change (proline 833 retained).
Molecular consequence: synonymous variant.
Genome position (GRCh38, 1-based): chr2:29,071,763, C>T on the plus strand (G>A on the coding strand, the complement: PCARE is on the minus strand). VCF-style: chr2-29071763-C-T. GRCh37 (hg19) VCF-style: chr2-29294629-C-T.
Identifiers: ClinVar variation 287770 (VCV000287770.21), dbSNP rs34253433, ClinGen allele CA1592190.

ClinVar aggregate classification (germline): Benign. Review status: criteria provided, multiple submitters, no conflicts (2 of 4 stars). 6 submissions from 6 submitters: Benign (6). Last evaluated 2026-02-03.

Conditions:
Retinitis pigmentosa 54 (RP54). Identifiers: Orphanet 791, MedGen C3150691, MONDO:0013263, OMIM 613428.
Retinal dystrophy. Also called: Inherited retinal dystrophy. Identifiers: Orphanet 71862, MedGen C0854723, MeSH D058499, MONDO:0019118, HP:0000556.
Retinitis pigmentosa (RP). Identifiers: Orphanet 791, MedGen C0035334, MeSH D012174, MONDO:0019200, OMIM 268000. Inheritance: Autosomal dominant, autosomal recessive and X linked inheritance.

Allele frequency attached by ClinVar (database versions not stated): 1000 Genomes Project 30x 0.12445; 1000 Genomes Project 0.12480; gnomAD 0.15556; TOPMed 0.16178; ExAC 0.17067; ESP Exome Variant Server 0.17530.

Submissions (6):

Labcorp Genetics (formerly Invitae), Labcorp
Classification: Benign. Last evaluated: 2026-02-03. Review status: criteria provided, single submitter. Criteria: Invitae Variant Classification Sherloc (09022015). Collection method: clinical testing. Allele origin: germline.

Dept Of Ophthalmology, Nagoya University
Classification: Benign for Retinal dystrophy. Last evaluated: 2023-10-01. Review status: criteria provided, single submitter. Criteria: Submitter's publication. Collection method: research. Allele origin: germline. Affected: yes.

Genome-Nilou Lab
Classification: Benign for Retinitis pigmentosa 54. Last evaluated: 2021-07-14. Review status: criteria provided, single submitter. Criteria: ACMG Guidelines, 2015. Collection method: clinical testing. Allele origin: germline. Affected: no.

Illumina Laboratory Services, Illumina
Classification: Benign for Retinitis pigmentosa. Last evaluated: 2018-01-13. Review status: criteria provided, single submitter. Criteria: ICSL Variant Classification Criteria 13 December 2019. Collection method: clinical testing. Allele origin: germline.
Comment: This variant was observed in the ICSL laboratory as part of a predisposition screen in an ostensibly healthy population. It had not been previously curated by ICSL or reported in the Human Gene Mutation Database (HGMD: prior to June 1st, 2018), and was therefore a candidate for classification through an automated scoring system. Utilizing variant allele frequency, disease prevalence and penetrance estimates, and inheritance mode, an automated score was calculated to assess if this variant is too frequent to cause the disease. Based on the score and internal cut-off values, a variant classified as benign is not then subjected to further curation. The score for this variant resulted in a classification of benign for this disease.

Eurofins Ntd Llc (ga)
Classification: Benign. Last evaluated: 2016-05-24. Review status: criteria provided, single submitter. Criteria: EGL Classification Definitions 2015. Collection method: clinical testing. Allele origin: germline. Observed: 3 variant alleles, 3 heterozygotes.

Breakthrough Genomics
Classification: Benign. Review status: criteria provided, single submitter. Criteria: ACMG Guidelines, 2015. Collection method: not provided. Allele origin: germline. Inheritance: Unknown mechanism. Affected: yes.